The following is an entry in ClinVar:

ClinVar aggregate classification (germline): Likely benign (1 of 4 stars; one submission).

Conditions:
ARL6-related disorder. Also called: ARL6-related condition.

Submission:

PreventionGenetics, part of Exact Sciences
Classification: Likely benign for ARL6-related condition. Last evaluated: 2026-04-16. Review status: criteria provided, single submitter. Criteria: ACMG Guidelines, 2015. Collection method: clinical testing. Allele origin: germline.
Comment: This variant is classified as likely benign based on ACMG/AMP sequence variant interpretation guidelines (Richards et al. 2015 PMID: 25741868, with internal and published modifications).

NM_001278293.3(ARL6):c.536-3C>T

Gene: ARL6 (ARF like GTPase 6; plus strand). Cytogenetic location: 3q11.2.
Variant type: single nucleotide variant.
Coding change: c.536-3C>T on transcript NM_001278293.3 (MANE Select); 3 bases into the intron before coding-DNA position 536, C replaced by T.
Molecular consequence: intron variant.
Genome position (GRCh38, 1-based): chr3:97,798,021, C>T. VCF-style: chr3-97798021-C-T. GRCh37 (hg19) VCF-style: chr3-97516865-C-T.
Other names: c.536-3C>T (NM_032146.5, NM_177976.3); c.549-3C>T (NM_001323513.2); c.480-3C>T (NM_001323514.2).
Identifiers: ClinVar variation 4995537 (VCV004995537.1).